The following is an entry in ClinVar:

NM_000297.4(PKD2):c.1945A>G (p.Ile649Val)

Gene: PKD2 (polycystin 2, transient receptor potential cation channel; plus strand). Cytogenetic location: 4q22.1.
Variant type: single nucleotide variant.
Coding change: c.1945A>G on transcript NM_000297.4 (MANE Select); coding-DNA position 1945, A replaced by G.
Protein change: p.Ile649Val; replaces isoleucine 649 with valine.
Molecular consequence: missense variant.
Genome position (GRCh38, 1-based): chr4:88,058,029, A>G. VCF-style: chr4-88058029-A-G. GRCh37 (hg19) VCF-style: chr4-88979181-A-G.
Other names: short protein forms I649V.
Identifiers: ClinVar variation 2959397 (VCV002959397.3), dbSNP rs760404089, ClinGen allele CA3004092.

ClinVar aggregate classification (germline): Uncertain significance (1 of 4 stars; one submission).

Conditions:
Autosomal dominant polycystic kidney disease. Identifiers: Orphanet 730, MedGen C0085413, MONDO:0004691.

Allele frequency attached by ClinVar (database versions not stated): ExAC 0.00002.
gnomAD v4.1: 4 of 1,581,370 alleles (0.00025%); highest among the groups gnomAD compares: Admixed American, 0.0067%; no homozygotes.

Submission:

Labcorp Genetics (formerly Invitae), Labcorp
Classification: Uncertain significance for Autosomal dominant polycystic kidney disease. Last evaluated: 2023-06-16. Review status: criteria provided, single submitter. Criteria: Invitae Variant Classification Sherloc (09022015). Collection method: clinical testing. Allele origin: germline.
Comment: In summary, the available evidence is currently insufficient to determine the role of this variant in disease. Therefore, it has been classified as a Variant of Uncertain Significance. Advanced modeling of protein sequence and biophysical properties (such as structural, functional, and spatial information, amino acid conservation, physicochemical variation, residue mobility, and thermodynamic stability) has been performed at Invitae for this missense variant, however the output from this modeling did not meet the statistical confidence thresholds required to predict the impact of this variant on PKD2 protein function. This variant has not been reported in the literature in individuals affected with PKD2-related conditions. This variant is present in population databases (rs760404089, gnomAD 0.01%). This sequence change replaces isoleucine, which is neutral and non-polar, with valine, which is neutral and non-polar, at codon 649 of the PKD2 protein (p.Ile649Val).